The following is an entry in ClinVar:

NM_001367823.1(ARHGEF18):c.2905-1G>T

Gene: ARHGEF18 (Rho/Rac guanine nucleotide exchange factor 18; plus strand). Cytogenetic location: 19p13.2.
Variant type: single nucleotide variant.
Coding change: c.2905-1G>T on transcript NM_001367823.1 (MANE Select); the canonical splice acceptor site of the intron before coding-DNA position 2905, G replaced by T.
Molecular consequence: splice acceptor variant.
Genome position (GRCh38, 1-based): chr19:7,466,917, G>T. VCF-style: chr19-7466917-G-T. GRCh37 (hg19) VCF-style: chr19-7531803-G-T.
Other names: c.1867-1G>T (NM_001367824.1, NM_015318.4); c.2179-1G>T (NM_001130955.2).
Identifiers: ClinVar variation 1031128 (VCV001031128.10), dbSNP rs201797784, ClinGen allele CA9137033.

ClinVar aggregate classification (germline): Likely pathogenic. Review status: criteria provided, multiple submitters, no conflicts (2 of 4 stars). 3 submissions from 3 submitters: Likely pathogenic (2). 1 of the submissions does not count toward it. Last evaluated 2023-07-16.

Conditions:
Retinal dystrophy. Also called: Inherited retinal dystrophy. Identifiers: Orphanet 71862, MedGen C0854723, MeSH D058499, MONDO:0019118, HP:0000556.
Retinitis pigmentosa 78 (RP78). Identifiers: MedGen C4479481, MONDO:0044314, OMIM 617433.

Allele frequency attached by ClinVar (database versions not stated): ExAC 0.00001; gnomAD 0.00001; gnomAD exomes 0.00001; TOPMed 0.00001.
gnomAD v4.1: 14 of 1,613,472 alleles (0.00087%); highest among the groups gnomAD compares: Non-Finnish European, 0.001%; no homozygotes.

Submissions (3):

Labcorp Genetics (formerly Invitae), Labcorp
Classification: Likely pathogenic. Last evaluated: 2023-07-16. Review status: criteria provided, single submitter. Criteria: Invitae Variant Classification Sherloc (09022015). Collection method: clinical testing. Allele origin: germline.
Comment: In summary, the currently available evidence indicates that the variant is pathogenic, but additional data are needed to prove that conclusively. Therefore, this variant has been classified as Likely Pathogenic. Algorithms developed to predict the effect of sequence changes on RNA splicing suggest that this variant may disrupt the consensus splice site. ClinVar contains an entry for this variant (Variation ID: 1031128). This variant has not been reported in the literature in individuals affected with ARHGEF18-related conditions. This variant is present in population databases (rs201797784, gnomAD 0.004%). This sequence change affects an acceptor splice site in intron 13 of the ARHGEF18 gene. It is expected to disrupt RNA splicing. Variants that disrupt the donor or acceptor splice site typically lead to a loss of protein function (PMID: 16199547), and loss-of-function variants in ARHGEF18 are known to be pathogenic (PMID: 28132693).

Baylor Genetics
Classification: Likely pathogenic for Retinitis pigmentosa 78. Last evaluated: 2020-02-17. Review status: criteria provided, single submitter. Criteria: ACMG Guidelines, 2015. Collection method: clinical testing. Allele origin: unknown. Affected: yes.
Comment: This variant was determined to be likely pathogenic according to ACMG Guidelines, 2015 [PMID:25741868].

Institute of Human Genetics, Univ. Regensburg, Univ. Regensburg
Classification: Pathogenic for Retinal dystrophy. Last evaluated: 2018-01-01. Review status: no assertion criteria provided. Criteria: ACMG Guidelines, 2015. Collection method: clinical testing. Allele origin: germline. Affected: yes. Not counted in ClinVar's aggregate classification.

Literature cited by the submitters: PubMed 16199547 (cited by Labcorp Genetics (formerly Invitae), Labcorp); PubMed 28132693 (cited by Labcorp Genetics (formerly Invitae), Labcorp).